The following is an entry in ClinVar:

ClinVar aggregate classification (germline): Likely benign. Review status: criteria provided, multiple submitters, no conflicts (2 of 4 stars). 3 submissions from 3 submitters: Likely benign (3). Last evaluated 2025-09-03.

Conditions:
Tuberous sclerosis syndrome (TSC). Also called: Tuberous Sclerosis Complex; Tuberous sclerosis. Identifiers: Orphanet 805, MedGen C0041341, MONDO:0001734.
Tuberous sclerosis 2 (TSC2). Identifiers: Orphanet 805, MedGen C1860707, MONDO:0013199, OMIM 613254.

Allele frequency attached by ClinVar (database versions not stated): TOPMed below 0.00001; gnomAD 0.00001.

Submissions (3):

Labcorp Genetics (formerly Invitae), Labcorp
Classification: Likely benign for Tuberous sclerosis 2. Last evaluated: 2025-09-03. Review status: criteria provided, single submitter. Criteria: Invitae Variant Classification Sherloc (09022015). Collection method: clinical testing. Allele origin: germline.

Myriad Genetics, Inc.
Classification: Likely benign for Tuberous sclerosis 2. Last evaluated: 2025-06-03. Review status: criteria provided, single submitter. Criteria: Myriad Autosomal Dominant, Autosomal Recessive and X-Linked Classification Criteria (2023). Collection method: clinical testing. Allele origin: unknown.
Comment: This variant is considered likely benign. This variant is intronic and is not expected to impact mRNA splicing.

All of Us Research Program, National Institutes of Health
Classification: Likely benign for Tuberous sclerosis syndrome. Last evaluated: 2023-06-08. Review status: criteria provided, single submitter. Criteria: ACMG Guidelines, 2015. Collection method: clinical testing. Allele origin: germline. Inheritance: Autosomal dominant inheritance. Observed: 1 variant allele, 1 heterozygote.
Comment: This study involves interpretation of variants in research participants for the purpose of population health screening. Participant phenotype was not available at the time of variant classification. Additional details can be found in publication PMID: 35346344, PMCID: PMC8962531

NM_000548.5(TSC2):c.4494-15C>T

Gene: TSC2 (TSC complex subunit 2; plus strand). Cytogenetic location: 16p13.3.
Variant type: single nucleotide variant.
Coding change: c.4494-15C>T on transcript NM_000548.5 (MANE Select); 15 bases into the intron before coding-DNA position 4494, C replaced by T.
Molecular consequence: intron variant.
Genome position (GRCh38, 1-based): chr16:2,084,936, C>T. VCF-style: chr16-2084936-C-T. GRCh37 (hg19) VCF-style: chr16-2134937-C-T.
Other names: c.4425-15C>T (NM_001114382.3); c.4365-15C>T (NM_021055.3, NM_001370405.1); c.4296-15C>T (NM_001363528.2); c.4362-15C>T (NM_001370404.1); c.4293-15C>T (NM_001077183.3); c.4185-15C>T (NM_001318827.2); c.3762-15C>T (NM_001318831.2); c.4149-15C>T (NM_001318829.2); and 1 more.
Identifiers: ClinVar variation 1595130 (VCV001595130.10), dbSNP rs993595235, ClinGen allele CA973768024.
Genomic context (GRCh38, chr16:2,084,936, plus strand): 5'-TGTGTTCCTCCCTGTGGGCTGTGGCTGCCCTGGCCAGGCCCTCACCTGGGTGCCCACCAT[C>T]CCCTCCCTGTGCAGTTTCGTGTTCCTGCAGCTCTACCATTCCCCCTTCTTTGGCGACGAG-3'